The following is an entry in ClinVar:

NM_012295.4(CABIN1):c.2761C>G (p.Gln921Glu)

Gene: CABIN1 (calcineurin binding protein 1; plus strand). Cytogenetic location: 22q11.23.
Variant type: single nucleotide variant.
Coding change: c.2761C>G on transcript NM_012295.4 (MANE Select); coding-DNA position 2761, C replaced by G.
Protein change: p.Gln921Glu; replaces glutamine 921 with glutamic acid.
Molecular consequence: missense variant.
Genome position (GRCh38, 1-based): chr22:24,083,240, C>G. VCF-style: chr22-24083240-C-G. GRCh37 (hg19) VCF-style: chr22-24479193-C-G.
Other names: c.2761C>G, p.Gln921Glu (NM_001199281.1); c.2611C>G, p.Gln871Glu (NM_001201429.2); short protein forms Q871E, Q921E.
Identifiers: ClinVar variation 1258993 (VCV001258993.5), dbSNP rs12166151, ClinGen allele CA10149004.

ClinVar aggregate classification (germline): Benign. Review status: criteria provided, multiple submitters, no conflicts (2 of 4 stars). 3 submissions from 3 submitters: Benign (2). 1 of the submissions does not count toward it. Last evaluated 2021-05-04.

Conditions:
CABIN1-related disorder. Also called: CABIN1-related condition.

Allele frequency attached by ClinVar (database versions not stated): gnomAD exomes 0.02224; ExAC 0.02437; 1000 Genomes Project 0.03594; 1000 Genomes Project 30x 0.03873; gnomAD 0.04201 and 0.04455; ESP Exome Variant Server 0.04636.
gnomAD v4.1: 35,920 of 1,612,300 alleles (2.2%); highest among the groups gnomAD compares: African/African-American, 10%; 724 homozygotes.

Submissions (3):

GeneDx
Classification: Benign. Last evaluated: 2021-05-04. Review status: criteria provided, single submitter. Criteria: GeneDx Variant Classification Process June 2021. Collection method: clinical testing. Allele origin: germline. Affected: yes.

Breakthrough Genomics
Classification: Benign. Review status: criteria provided, single submitter. Criteria: ACMG Guidelines, 2015. Collection method: not provided. Allele origin: germline. Inheritance: Unknown mechanism. Affected: yes.

PreventionGenetics, part of Exact Sciences
Classification: Benign for CABIN1-related condition. Last evaluated: 2019-04-05. Review status: no assertion criteria provided. Collection method: clinical testing. Allele origin: germline. Not counted in ClinVar's aggregate classification.
Comment: This variant is classified as benign based on ACMG/AMP sequence variant interpretation guidelines (Richards et al. 2015 PMID: 25741868, with internal and published modifications).